The following is an entry in ClinVar:

ClinVar aggregate classification (germline): Uncertain significance. Review status: criteria provided, multiple submitters, no conflicts (2 of 4 stars). 2 submissions from 2 submitters: Uncertain significance (2). Last evaluated 2026-01-20.

Conditions:
Autosomal dominant hypocalcemia 1 (HYPOC1). Also called: HYPOCALCEMIA, FAMILIAL. Identifiers: MedGen C3715128, MONDO:0011013, OMIM 601198.
Familial hypocalciuric hypercalcemia (FHH). Also called: Familial benign hypercalcemia. Identifiers: Orphanet 405, MedGen C1809471, MONDO:0018458.

Submissions (2):

Women's Health and Genetics/Laboratory Corporation of America, LabCorp
Classification: Uncertain significance. Last evaluated: 2026-01-20. Review status: criteria provided, single submitter. Criteria: LabCorp Variant Classification Summary - May 2015. Collection method: clinical testing. Allele origin: germline.
Comment: Variant summary: CASR c.1963_1965delCTC (p.Leu655del) results in an in-frame deletion that is predicted to remove one amino acid from the encoded protein. The variant was absent in 251182 control chromosomes (gnomAD). The available data on variant occurrences in the general population are insufficient to allow any conclusion about variant significance. c.1963_1965delCTC has been observed in individuals affected with Familial hypocalciuric hypercalcemia (Vargas-Poussou_2016, Mouly_2020). These reports do not provide unequivocal conclusions about association of the variant with Autosomal Dominant Hypocalcemia. To our knowledge, no experimental evidence demonstrating an impact on protein function has been reported. The following publications have been ascertained in the context of this evaluation (PMID: 32347971, 26963950). No submitters have cited clinical-significance assessments for this variant to ClinVar. Based on the evidence outlined above, the variant was classified as uncertain significance.

Labcorp Genetics (formerly Invitae), Labcorp
Classification: Uncertain significance for Familial hypocalciuric hypercalcemia; Autosomal dominant hypocalcemia 1. Last evaluated: 2025-12-19. Review status: criteria provided, single submitter. Criteria: Invitae Variant Classification Sherloc (09022015). Collection method: clinical testing. Allele origin: germline.
Comment: This variant, c.1963_1965del, results in the deletion of 1 amino acid(s) of the CASR protein (p.Leu655del), but otherwise preserves the integrity of the reading frame. This variant is not present in population databases (gnomAD no frequency). This variant has been observed in individual(s) with familial hypocalciuric hypercalcaemia (PMID: 26963950, 32347971). Experimental studies and prediction algorithms are not available or were not evaluated, and the functional significance of this variant is currently unknown. In summary, the available evidence is currently insufficient to determine the role of this variant in disease. Therefore, it has been classified as a Variant of Uncertain Significance.

Literature cited by the submitters: PubMed 26963950 (cited by Women's Health and Genetics/Laboratory Corporation of America, LabCorp and Labcorp Genetics (formerly Invitae), Labcorp); PubMed 32347971 (cited by Women's Health and Genetics/Laboratory Corporation of America, LabCorp and Labcorp Genetics (formerly Invitae), Labcorp).

NM_000388.4(CASR):c.1957CTC[2] (p.Leu655del)

Gene: CASR (calcium sensing receptor; plus strand). Cytogenetic location: 3q21.1.
Variant type: Microsatellite.
Coding change: c.1957CTC[2] on transcript NM_000388.4 (MANE Select); two copies in a row of the 3-base unit CTC starting at c.1957; the reference has three copies in a row; one copy, 3 bases deleted.
Protein change: p.Leu655del; deletes leucine 655.
Molecular consequence: inframe deletion.
Genome position (GRCh38, 1-based): chr3:122,283,917-122,283,919, CTC deleted; deleting any 3 consecutive bases within chr3:122,283,910-122,283,919 gives the same sequence; the position shown is the placement nearest the transcript's 3' end. VCF-style (leftmost placement, unchanged base first): chr3-122283909-ACCT-A. GRCh37 (hg19) VCF-style: chr3-122002756-ACCT-A.
Other names: c.1987CTC[2], p.Leu665del (NM_001178065.2); c.1963_1965delCTC (NM_000388.4); short protein forms L655del, L665del.
Identifiers: ClinVar variation 4689198 (VCV004689198.2).
Genomic context (GRCh38, chr3:122,283,909, plus strand): 5'-GTGTGTTTATCAAGTTCCGCAACACACCCATTGTCAAGGCCACCAACCGAGAGCTCTCCT[ACCT>A]CCTCCTCTTCTCCCTGCTCTGCTGCTTCTCCAGCTCCCTGTTCTTCATCGGGGAGCCCCA-3'